The following is an entry in ClinVar:

NM_033026.6(PCLO):c.7957G>A (p.Val2653Ile)

Gene: PCLO (piccolo presynaptic cytomatrix protein; minus strand). Cytogenetic location: 7q21.11.
Variant type: single nucleotide variant.
Coding change: c.7957G>A on transcript NM_033026.6 (MANE Select); coding-DNA position 7957, G replaced by A.
Protein change: p.Val2653Ile; replaces valine 2653 with isoleucine.
Molecular consequence: missense variant.
Genome position (GRCh38, 1-based): chr7:82,952,996, C>T on the plus strand (G>A on the coding strand, the complement: PCLO is on the minus strand). VCF-style: chr7-82952996-C-T. GRCh37 (hg19) VCF-style: chr7-82582312-C-T.
Other names: c.7957G>A, p.Val2653Ile (NM_014510.3); short protein forms V2653I.
Identifiers: ClinVar variation 1481083 (VCV001481083.5), dbSNP rs746213484, ClinGen allele CA4320210.

ClinVar aggregate classification (germline): Uncertain significance (1 of 4 stars; one submission).

Allele frequency attached by ClinVar (database versions not stated): gnomAD exomes 0.00001; ExAC 0.00002.
gnomAD v4.1: 22 of 1,613,818 alleles (0.0014%); highest among the groups gnomAD compares: East Asian, 0.047%; no homozygotes.

Submission:

Labcorp Genetics (formerly Invitae), Labcorp
Classification: Uncertain significance. Last evaluated: 2024-02-24. Review status: criteria provided, single submitter. Criteria: Invitae Variant Classification Sherloc (09022015). Collection method: clinical testing. Allele origin: germline.
Comment: This sequence change replaces valine, which is neutral and non-polar, with isoleucine, which is neutral and non-polar, at codon 2653 of the PCLO protein (p.Val2653Ile). This variant is present in population databases (rs746213484, gnomAD 0.02%). This variant has not been reported in the literature in individuals affected with PCLO-related conditions. ClinVar contains an entry for this variant (Variation ID: 1481083). Algorithms developed to predict the effect of missense changes on protein structure and function output the following: SIFT: "Not Available"; PolyPhen-2: "Not Available"; Align-GVGD: "Not Available". The isoleucine amino acid residue is found in multiple mammalian species, which suggests that this missense change does not adversely affect protein function. In summary, the available evidence is currently insufficient to determine the role of this variant in disease. Therefore, it has been classified as a Variant of Uncertain Significance.